The following is an entry in ClinVar:

NM_000280.4(PAX6):c.*4627A>C

Genes: ELP4 (elongator acetyltransferase complex subunit 4; plus strand), PAX6 (paired box 6; minus strand). Cytogenetic location: 11p13.
Variant type: single nucleotide variant.
Coding change: c.*4627A>C on transcript NM_000280.4; 4627 bases downstream of the stop codon, A replaced by C.
Molecular consequence: 3 prime UTR variant (on NM_019040.5).
Genome position (GRCh38, 1-based): chr11:31,785,307, T>G on the plus strand (A>C on the coding strand, the complement: PAX6 is on the minus strand). VCF-style: chr11-31785307-T-G. GRCh37 (hg19) VCF-style: chr11-31806855-T-G.
Other names: c.*1769T>G (NM_001288725.2); c.*1878T>G (NM_001288726.2); c.*1783T>G (NM_019040.5).
Identifiers: ClinVar variation 304292 (VCV000304292.8), dbSNP rs140971065, ClinGen allele CA10630724.

ClinVar aggregate classification (germline): Conflicting classifications of pathogenicity. Review status: criteria provided, conflicting classifications (1 of 4 stars). 6 submissions from 1 submitter: Uncertain significance (1); Benign (5). Last evaluated 2018-01-12.

Conditions:
Anophthalmia-microphthalmia syndrome. Also called: Anophthalmia/Microphthalmia; Anophthalmia - microphthalmia. Identifiers: Orphanet 98555, MedGen C5680330, MONDO:0020147.
11p partial monosomy syndrome (WAGR). Also called: WAGR Spectrum Disorder; WAGR syndrome; WAGR Complex; CHROMOSOME 11p13 DELETION SYNDROME. Identifiers: Orphanet 893, MedGen C0206115, MONDO:0008681, OMIM 194072.
Aniridia 1 (AN1). Identifiers: Orphanet 250923, MedGen C0344542, MONDO:0024507, OMIM 106210.
Autosomal dominant keratitis. Also called: Keratitis, hereditary. Identifiers: Orphanet 2334, MedGen C1835698, MONDO:0007848, OMIM 148190.
Foveal hypoplasia 1. Also called: FOVEAL HYPOPLASIA 1 WITH OR WITHOUT ANTERIOR SEGMENT ANOMALIES AND/OR CATARACT; FOVEAL HYPOPLASIA 1 WITH ANTERIOR SEGMENT ANOMALIES. Identifiers: Orphanet 2253, MedGen C3805604, MONDO:0007628, OMIM 136520.
carboxymethyl-dextran-A2-gadolinium-DOTA.

Allele frequency attached by ClinVar (database versions not stated): TOPMed 0.00063; 1000 Genomes Project 0.00120; 1000 Genomes Project 30x 0.00219; gnomAD 0.00030 and 0.00048; gnomAD exomes 0.00313.
gnomAD v4.1: 162 of 183,176 alleles (0.088%); highest among the groups gnomAD compares: East Asian, 1.4%; 1 homozygote.

Submissions (6):

Illumina Laboratory Services, Illumina
Classification: Benign for Autosomal dominant keratitis. Last evaluated: 2018-01-12. Review status: criteria provided, single submitter. Criteria: ICSL Variant Classification Criteria 13 December 2019. Collection method: clinical testing. Allele origin: germline.
Comment: This variant was observed in the ICSL laboratory as part of a predisposition screen in an ostensibly healthy population. It had not been previously curated by ICSL or reported in the Human Gene Mutation Database (HGMD: prior to June 1st, 2018), and was therefore a candidate for classification through an automated scoring system. Utilizing variant allele frequency, disease prevalence and penetrance estimates, and inheritance mode, an automated score was calculated to assess if this variant is too frequent to cause the disease. Based on the score and internal cut-off values, a variant classified as benign is not then subjected to further curation. The score for this variant resulted in a classification of benign for this disease.

Illumina Laboratory Services, Illumina
Classification: Benign for Aniridia 1. Last evaluated: 2018-01-12. Review status: criteria provided, single submitter. Criteria: ICSL Variant Classification Criteria 13 December 2019. Collection method: clinical testing. Allele origin: germline.
Comment: the same text as in the submission from Illumina Laboratory Services, Illumina above.

Illumina Laboratory Services, Illumina
Classification: Benign for Wilms tumor, aniridia, genitourinary anomalies, and mental retardation syndrome. Last evaluated: 2018-01-12. Review status: criteria provided, single submitter. Criteria: ICSL Variant Classification Criteria 13 December 2019. Collection method: clinical testing. Allele origin: germline.
Comment: the same text as in the submission from Illumina Laboratory Services, Illumina above.

Illumina Laboratory Services, Illumina
Classification: Benign for Foveal hypoplasia 1. Last evaluated: 2018-01-12. Review status: criteria provided, single submitter. Criteria: ICSL Variant Classification Criteria 13 December 2019. Collection method: clinical testing. Allele origin: germline.
Comment: the same text as in the submission from Illumina Laboratory Services, Illumina above.

Illumina Laboratory Services, Illumina
Classification: Benign for carboxymethyl-dextran-A2-gadolinium-DOTA. Last evaluated: 2018-01-12. Review status: criteria provided, single submitter. Criteria: ICSL Variant Classification Criteria 13 December 2019. Collection method: clinical testing. Allele origin: germline.
Comment: the same text as in the submission from Illumina Laboratory Services, Illumina above.

Illumina Laboratory Services, Illumina
Classification: Uncertain significance for Anophthalmia-microphthalmia syndrome. Last evaluated: 2018-01-12. Review status: criteria provided, single submitter. Criteria: ICSL Variant Classification Criteria 13 December 2019. Collection method: clinical testing. Allele origin: germline.